The following is an entry in ClinVar:

ClinVar aggregate classification (germline): Uncertain significance (1 of 4 stars; one submission).

Conditions:
Autoimmune lymphoproliferative syndrome type 2B. Also called: AUTOIMMUNE LYMPHOPROLIFERATIVE SYNDROME, TYPE IIB. Identifiers: Orphanet 275517, MedGen C1846545, MONDO:0011804, OMIM 607271.

Submission:

Labcorp Genetics (formerly Invitae), Labcorp
Classification: Uncertain significance for Autoimmune lymphoproliferative syndrome type 2B. Last evaluated: 2022-12-17. Review status: criteria provided, single submitter. Criteria: Invitae Variant Classification Sherloc (09022015). Collection method: clinical testing. Allele origin: germline.
Comment: This sequence change replaces arginine, which is basic and polar, with glycine, which is neutral and non-polar, at codon 250 of the CASP8 protein (p.Arg250Gly). In summary, the available evidence is currently insufficient to determine the role of this variant in disease. Therefore, it has been classified as a Variant of Uncertain Significance. Advanced modeling of protein sequence and biophysical properties (such as structural, functional, and spatial information, amino acid conservation, physicochemical variation, residue mobility, and thermodynamic stability) performed at Invitae indicates that this missense variant is expected to disrupt CASP8 protein function. ClinVar contains an entry for this variant (Variation ID: 1721167). This variant has not been reported in the literature in individuals affected with CASP8-related conditions. This variant is not present in population databases (gnomAD no frequency).

NM_001372051.1(CASP8):c.697C>G (p.Arg233Gly)

Gene: CASP8 (caspase 8; plus strand). Cytogenetic location: 2q33.1.
Variant type: single nucleotide variant.
Coding change: c.697C>G on transcript NM_001372051.1 (MANE Select); coding-DNA position 697, C replaced by G.
Protein change: p.Arg233Gly; replaces arginine 233 with glycine.
Molecular consequence: missense variant. On other transcripts: non-coding transcript variant (21), intron variant (4).
Genome position (GRCh38, 1-based): chr2:201,276,863, C>G. VCF-style: chr2-201276863-C-G. GRCh37 (hg19) VCF-style: chr2-202141586-C-G.
Other names: c.748C>G, p.Arg250Gly (NM_001228.5); c.829C>G, p.Arg277Gly (NM_001400642.1); c.730C>G, p.Arg244Gly (NM_001400645.1); c.697C>G, p.Arg233Gly (NM_001400648.1, NM_001400651.1, NM_001400653.1 and 6 more transcripts); c.652C>G, p.Arg218Gly (NM_001400658.1, NM_001400659.1, NM_001400660.1 and 5 more transcripts); c.628C>G, p.Arg210Gly (NM_001400664.1); c.388C>G, p.Arg130Gly (NM_001400669.1); c.100C>G, p.Arg34Gly (NM_001400671.1, NM_001400672.1, NM_001400673.1 and 1 more transcripts); and 7 more; short protein forms R130G, R19G, R210G, R218G, R233G, R244G, R250G, R277G.
Identifiers: ClinVar variation 1721167 (VCV001721167.6), dbSNP rs760898260, ClinGen allele CA350293892.